The following is an entry in ClinVar:

ClinVar aggregate classification (germline): Uncertain significance (1 of 4 stars; one submission).

Conditions:
Hereditary cancer-predisposing syndrome. Also called: Hereditary Cancer Syndrome; Hereditary neoplastic syndrome; Neoplastic Syndromes, Hereditary; Tumor predisposition. Identifiers: Orphanet 140162, MedGen C0027672, MeSH D009386, MONDO:0015356.

Submission:

Ambry Genetics
Classification: Uncertain significance for Hereditary cancer-predisposing syndrome. Last evaluated: 2022-02-12. Review status: criteria provided, single submitter. Criteria: Ambry Variant Classification Scheme 2023. Collection method: clinical testing. Allele origin: germline.
Comment: The p.D45G variant (also known as c.134A>G), located in coding exon 2 of the NF2 gene, results from an A to G substitution at nucleotide position 134. The aspartic acid at codon 45 is replaced by glycine, an amino acid with similar properties. This amino acid position is conserved. In addition, this alteration is predicted to be deleterious by in silico analysis. Since supporting evidence is limited at this time, the clinical significance of this alteration remains unclear.

NM_000268.4(NF2):c.134A>G (p.Asp45Gly)

Gene: NF2 (NF2, moesin-ezrin-radixin like (MERLIN) tumor suppressor; plus strand). Cytogenetic location: 22q12.2.
Variant type: single nucleotide variant.
Coding change: c.134A>G on transcript NM_000268.4 (MANE Select); coding-DNA position 134, A replaced by G.
Protein change: p.Asp45Gly; replaces aspartic acid 45 with glycine.
Molecular consequence: missense variant. On other transcripts: non-coding transcript variant (1), intron variant (3).
Genome position (GRCh38, 1-based): chr22:29,636,770, A>G. VCF-style: chr22-29636770-A-G. GRCh37 (hg19) VCF-style: chr22-30032759-A-G.
Other names: c.20A>G, p.Asp7Gly (NM_001407053.1, NM_001407056.1); c.134A>G, p.Asp45Gly (NM_001407054.1, NM_001407057.1, NM_001407058.1 and 9 more transcripts); c.-507A>G (NM_001407065.1); c.-123A>G (NM_001407067.1); c.115-2320A>G (NM_181828.3); c.115-5432A>G (NM_181830.3, NM_181831.3); short protein forms D45G, D7G.
Identifiers: ClinVar variation 1770559 (VCV001770559.2), dbSNP rs2146851936, ClinGen allele CA411152454.